The following is an entry in ClinVar:

ClinVar aggregate classification (germline): Uncertain significance (1 of 4 stars; one submission).

Conditions:
Charcot-Marie-Tooth disease type 2E (CMT2E). Also called: CHARCOT-MARIE-TOOTH DISEASE, AXONAL, TYPE 2E; CHARCOT-MARIE-TOOTH NEUROPATHY, TYPE 2E. Identifiers: Orphanet 99939, MedGen C1843225, MONDO:0011894, OMIM 607684.

Allele frequency attached by ClinVar (database versions not stated): TOPMed below 0.00001.

Submission:

Labcorp Genetics (formerly Invitae), Labcorp
Classification: Uncertain significance for Charcot-Marie-Tooth disease type 2E. Last evaluated: 2018-06-28. Review status: criteria provided, single submitter. Criteria: Invitae Variant Classification Sherloc (09022015). Collection method: clinical testing. Allele origin: germline.
Comment: This sequence change replaces glutamic acid with lysine at codon 20 of the NEFL protein (p.Glu20Lys). The glutamic acid residue is highly conserved and there is a small physicochemical difference between glutamic acid and lysine. This variant is not present in population databases (ExAC no frequency). This variant has not been reported in the literature in individuals with NEFL-related disease. Algorithms developed to predict the effect of missense changes on protein structure and function are either unavailable or do not agree on the potential impact of this missense change (SIFT: "Deleteriois"; PolyPhen-2: "Not Available"; Align-GVGD: "Class C15"). In summary, the available evidence is currently insufficient to determine the role of this variant in disease. Therefore, it has been classified as a Variant of Uncertain Significance.

NM_006158.5(NEFL):c.58G>A (p.Glu20Lys)

Gene: NEFL (neurofilament light chain; minus strand). Cytogenetic location: 8p21.2.
Variant type: single nucleotide variant.
Coding change: c.58G>A on transcript NM_006158.5 (MANE Select); coding-DNA position 58, G replaced by A.
Protein change: p.Glu20Lys; replaces glutamic acid 20 with lysine.
Molecular consequence: missense variant.
Genome position (GRCh38, 1-based): chr8:24,956,458, C>T on the plus strand (G>A on the coding strand, the complement: NEFL is on the minus strand). VCF-style: chr8-24956458-C-T. GRCh37 (hg19) VCF-style: chr8-24813972-C-T.
Other names: short protein forms E20K.
Identifiers: ClinVar variation 579835 (VCV000579835.4), dbSNP rs779821785, ClinGen allele CA370624170.